The following is an entry in ClinVar:

NM_201384.3(PLEC):c.635G>A (p.Arg212Gln)

Gene: PLEC (plectin; minus strand). Cytogenetic location: 8q24.3.
Variant type: single nucleotide variant.
Coding change: c.635G>A on transcript NM_201384.3 (MANE Select); coding-DNA position 635, G replaced by A.
Protein change: p.Arg212Gln; replaces arginine 212 with glutamine.
Molecular consequence: missense variant.
Genome position (GRCh38, 1-based): chr8:143,935,281, C>T on the plus strand (G>A on the coding strand, the complement: PLEC is on the minus strand). VCF-style: chr8-143935281-C-T. GRCh37 (hg19) VCF-style: chr8-145009449-C-T.
Other names: c.716G>A, p.Arg239Gln (NM_000445.5); c.593G>A, p.Arg198Gln (NM_201378.4); c.569G>A, p.Arg190Gln (NM_201379.3); c.1046G>A, p.Arg349Gln (NM_201380.4); c.539G>A, p.Arg180Gln (NM_201381.3); c.635G>A, p.Arg212Gln (NM_201382.4); c.647G>A, p.Arg216Gln (NM_201383.3); short protein forms R198Q, R180Q, R212Q, R190Q, R216Q, R239Q, R349Q.
Identifiers: ClinVar variation 581416 (VCV000581416.12), dbSNP rs533217840, ClinGen allele CA4928366.

ClinVar aggregate classification (germline): Conflicting classifications of pathogenicity. Review status: criteria provided, conflicting classifications (1 of 4 stars). 3 submissions from 3 submitters: Uncertain significance (2); Likely benign (1). Last evaluated 2025-06-09.

Conditions:
Autosomal recessive limb-girdle muscular dystrophy type 2Q (LGMDR17). Also called: MUSCULAR DYSTROPHY, LIMB-GIRDLE, AUTOSOMAL RECESSIVE 17. Identifiers: Orphanet 254361, MedGen C3150989, MONDO:0013390, OMIM 613723.
Epidermolysis bullosa simplex 5B, with muscular dystrophy (EBS5B). Also called: Epidermolysis bullosa simplex with muscular dystrophy; EPIDERMOLYSIS BULLOSA SIMPLEX AND LIMB-GIRDLE MUSCULAR DYSTROPHY. Identifiers: Orphanet 257, MedGen C2931072, MONDO:0009181, OMIM 226670.
Epidermolysis bullosa simplex, Ogna type (EBS5A). Also called: EPIDERMOLYSIS BULLOSA SIMPLEX 5A, OGNA TYPE; Pidermolysis bullosa simplex 5A, Ogna type. Identifiers: Orphanet 79401, MedGen C0432317, MONDO:0007555, OMIM 131950.
Epidermolysis bullosa simplex 5C, with pyloric atresia (EBS5C). Also called: PLEC-Related Epidermolysis Bullosa with Pyloric Atresia; Epidermolysis bullosa simplex with pyloric atresia; PLEC1-Related Epidermolysis Bullosa with Pyloric Atresia. Identifiers: Orphanet 158684, MedGen C2677349, MONDO:0012807, OMIM 612138.
Epidermolysis bullosa simplex with nail dystrophy (EBS5D). Identifiers: MedGen C4225309, MONDO:0014661, OMIM 616487.

Allele frequency attached by ClinVar (database versions not stated): TOPMed 0.00001; gnomAD exomes 0.00012; ExAC 0.00013; 1000 Genomes Project 30x 0.00016; 1000 Genomes Project 0.00020.
gnomAD v4.1: 155 of 1,609,280 alleles (0.0096%); highest among the groups gnomAD compares: South Asian, 0.09%; no homozygotes.

Submissions (3):

Labcorp Genetics (formerly Invitae), Labcorp
Classification: Uncertain significance for Autosomal recessive limb-girdle muscular dystrophy type 2Q; Epidermolysis bullosa simplex, Ogna type; Epidermolysis bullosa simplex with nail dystrophy; Epidermolysis bullosa simplex 5C, with pyloric atresia; Epidermolysis bullosa simplex 5B, with muscular dystrophy. Last evaluated: 2025-06-09. Review status: criteria provided, single submitter. Criteria: Invitae Variant Classification Sherloc (09022015). Collection method: clinical testing. Allele origin: germline.
Comment: This sequence change replaces arginine, which is basic and polar, with glutamine, which is neutral and polar, at codon 239 of the PLEC protein (p.Arg239Gln). This variant is present in population databases (rs533217840, gnomAD 0.07%). This variant has not been reported in the literature in individuals affected with PLEC-related conditions. ClinVar contains an entry for this variant (Variation ID: 581416). An algorithm developed to predict the effect of missense changes on protein structure and function outputs the following: PolyPhen-2: "Not Available". The glutamine amino acid residue is found in multiple mammalian species, which suggests that this missense change does not adversely affect protein function. In summary, the available evidence is currently insufficient to determine the role of this variant in disease. Therefore, it has been classified as a Variant of Uncertain Significance.

Blueprint Genetics
Classification: Likely benign. Last evaluated: 2024-03-20. Review status: criteria provided, single submitter. Criteria: ACMG Guidelines, 2015. Collection method: clinical testing. Allele origin: germline.

Eurofins Ntd Llc (ga)
Classification: Uncertain significance. Last evaluated: 2018-06-07. Review status: criteria provided, single submitter. Criteria: EGL ClinVar v180209 classification definitions. Collection method: clinical testing. Allele origin: germline. Observed: 1 variant allele, 1 heterozygote.